The following is an entry in ClinVar:

ClinVar aggregate classification (germline): Likely benign. Review status: criteria provided, multiple submitters, no conflicts (2 of 4 stars). 5 submissions from 5 submitters: Likely benign (5). Last evaluated 2025-06-16.

Conditions:
Hereditary breast ovarian cancer syndrome. Also called: Hereditary breast and ovarian cancer syndrome; BRCA1- and BRCA2-Associated Hereditary Breast and Ovarian Cancer; Hereditary breast and ovarian cancer; Hereditary breast and/or ovarian cancer syndrome; Hereditary breast and ovarian cancer syndrome (HBOC); Breast and ovarian cancer. Identifiers: Orphanet 145, MedGen C0677776, MeSH D061325, MONDO:0003582. Disease mechanism: loss of function.
BRCA2-related cancer predisposition. Identifiers: MedGen CN377758, MONDO:0700269.
Hereditary cancer-predisposing syndrome. Also called: Hereditary Cancer Syndrome; Hereditary neoplastic syndrome; Neoplastic Syndromes, Hereditary; Tumor predisposition. Identifiers: Orphanet 140162, MedGen C0027672, MeSH D009386, MONDO:0015356.

Allele frequency attached by ClinVar (database versions not stated): gnomAD 0.00001; TOPMed 0.00003.
gnomAD v4.1: 1 of 1,612,326 alleles (0.000062%); highest among the groups gnomAD compares: African/African-American, 0.0013%; no homozygotes.

Submissions (5):

Labcorp Genetics (formerly Invitae), Labcorp
Classification: Likely benign for Hereditary breast ovarian cancer syndrome. Last evaluated: 2025-06-16. Review status: criteria provided, single submitter. Criteria: Invitae Variant Classification Sherloc (09022015). Collection method: clinical testing. Allele origin: germline.

All of Us Research Program, National Institutes of Health
Classification: Likely benign for BRCA2-related cancer predisposition. Last evaluated: 2024-08-13. Review status: criteria provided, single submitter. Criteria: ACMG Guidelines, 2015. Collection method: clinical testing. Allele origin: germline. Inheritance: Autosomal dominant inheritance. Observed: 1 variant allele, 1 heterozygote.
Comment: This study involves interpretation of variants in research participants for the purpose of population health screening. Participant phenotype was not available at the time of variant classification. Additional details can be found in publication PMID: 35346344, PMCID: PMC8962531

Women's Health and Genetics/Laboratory Corporation of America, LabCorp
Classification: Likely benign. Last evaluated: 2022-03-26. Review status: criteria provided, single submitter. Criteria: LabCorp Variant Classification Summary - May 2015. Collection method: clinical testing. Allele origin: germline.

Ambry Genetics
Classification: Likely benign for Hereditary cancer-predisposing syndrome. Last evaluated: 2019-11-25. Review status: criteria provided, single submitter. Criteria: Ambry Variant Classification Scheme 2023. Collection method: clinical testing. Allele origin: germline.

GeneDx
Classification: Likely benign. Last evaluated: 2018-03-28. Review status: criteria provided, single submitter. Criteria: GeneDx Variant Classification Process June 2021. Collection method: clinical testing. Allele origin: germline. Affected: yes.

NM_000059.4(BRCA2):c.9687T>A (p.Pro3229=)

Gene: BRCA2 (BRCA2 DNA repair associated; plus strand). Cytogenetic location: 13q13.1.
Variant type: single nucleotide variant.
Coding change: c.9687T>A on transcript NM_000059.4 (MANE Select); coding-DNA position 9687, T replaced by A.
Protein change: p.Pro3229=; no amino-acid change (proline 3229 retained).
Molecular consequence: synonymous variant.
Genome position (GRCh38, 1-based): chr13:32,398,200, T>A. VCF-style: chr13-32398200-T-A. GRCh37 (hg19) VCF-style: chr13-32972337-T-A.
Identifiers: ClinVar variation 390703 (VCV000390703.16), dbSNP rs946380047, ClinGen allele CA16606708.